The following is an entry in ClinVar:

ClinVar aggregate classification (germline): Conflicting classifications of pathogenicity. Review status: criteria provided, conflicting classifications (1 of 4 stars). 4 submissions from 4 submitters: Uncertain significance (3); Likely benign (1). Last evaluated 2025-12-20.

Conditions:
Primary ciliary dyskinesia 7. Also called: CILIARY DYSKINESIA, PRIMARY, 7, WITH OR WITHOUT SITUS INVERSUS. Identifiers: Orphanet 244, MedGen C2678473, MONDO:0012748, OMIM 611884.
Primary ciliary dyskinesia. Also called: Ciliary dyskinesia. Identifiers: Orphanet 244, MedGen C0008780, MONDO:0016575, HP:0012265.

Allele frequency attached by ClinVar (database versions not stated): TOPMed below 0.00001; gnomAD exomes 0.00001.
gnomAD v4.1: 7 of 1,613,904 alleles (0.00043%); highest among the groups gnomAD compares: East Asian, 0.0045%; no homozygotes.

Submissions (4):

Labcorp Genetics (formerly Invitae), Labcorp
Classification: Likely benign for Primary ciliary dyskinesia. Last evaluated: 2025-12-20. Review status: criteria provided, single submitter. Criteria: Invitae Variant Classification Sherloc (09022015). Collection method: clinical testing. Allele origin: germline.

Women's Health and Genetics/Laboratory Corporation of America, LabCorp
Classification: Uncertain significance. Last evaluated: 2025-04-03. Review status: criteria provided, single submitter. Criteria: LabCorp Variant Classification Summary - May 2015. Collection method: clinical testing. Allele origin: germline.
Comment: Variant summary: DNAH11 c.5846G>A (p.Arg1949Gln) results in a conservative amino acid change in the encoded protein sequence. Two of four in-silico tools predict a benign effect of the variant on protein function. The variant allele was found at a frequency of 8e-06 in 250236 control chromosomes. The available data on variant occurrences in the general population are insufficient to allow any conclusion about variant significance. c.5846G>A has been reported in the literature in at-least one individual affected with Primary Ciliary Dyskinesia (example: Fassad_2020). These report(s) do not provide unequivocal conclusions about association of the variant with Primary Ciliary Dyskinesia 7. To our knowledge, no experimental evidence demonstrating an impact on protein function has been reported. The following publication has been ascertained in the context of this evaluation (PMID: 31879361). ClinVar contains an entry for this variant (Variation ID: 641535). Based on the evidence outlined above, the variant was classified as uncertain significance.

Broad Center for Mendelian Genomics, Broad Institute of MIT and Harvard
Classification: Uncertain significance for Primary ciliary dyskinesia 7. Last evaluated: 2025-02-14. Review status: criteria provided, single submitter. Criteria: ACMG Guidelines, 2015. Collection method: curation. Allele origin: germline. Inheritance: Autosomal recessive inheritance.
Comment: The p.Arg1949Gln variant has been reported in 1 individual with primary ciliary dyskinesia (PMID: 31879361), and has been identified in 0.004% (2/44874) of East Asian chromosomes by the Genome Aggregation Database (gnomAD; dbSNP rs761919869). Although this variant has been seen in the general population in a heterozygous state, its frequency is low enough to be consistent with a recessive carrier frequency. This variant has also been reported in ClinVar (Variation ID: 641535) and has been interpreted as a variant of uncertain significance by Invitae and Ambry Genetics. Computational prediction tools and conservation analyses suggest that this variant may not impact the protein, though this information is not predictive enough to rule out pathogenicity. In summary, the clinical significance of the p.Arg1949Gln variant is uncertain. ACMG/AMP Criteria applied: BP4, PM2_supporting (Richards 2015).

Ambry Genetics
Classification: Uncertain significance for Primary ciliary dyskinesia. Last evaluated: 2015-09-08. Review status: criteria provided, single submitter. Criteria: Ambry Variant Classification Scheme 2023. Collection method: clinical testing. Allele origin: germline.
Comment: The p.R1949Q variant (also known as c.5846G>A), located in coding exon 34 of the DNAH11 gene, results from a G to A substitution at nucleotide position 5846. The arginine at codon 1949 is replaced by glutamine, an amino acid with highly similar properties. This variant was not reported in population based cohorts in the following databases: Database of Single Nucleotide Polymorphisms (dbSNP), NHLBI Exome Sequencing Project (ESP), and 1000 Genomes Project. In the ESP, this variant was not observed in 6497 samples (12994 alleles) with coverage at this position. This amino acid position is highly conserved in available vertebrate species. Since supporting evidence is limited at this time, the clinical significance of this variant remains unclear.

Literature cited by the submitters: PubMed 31879361 (cited by Women's Health and Genetics/Laboratory Corporation of America, LabCorp).

NM_001277115.2(DNAH11):c.5846G>A (p.Arg1949Gln)

Gene: DNAH11 (dynein axonemal heavy chain 11; plus strand). Cytogenetic location: 7p15.3.
Variant type: single nucleotide variant.
Coding change: c.5846G>A on transcript NM_001277115.2 (MANE Select); coding-DNA position 5846, G replaced by A.
Protein change: p.Arg1949Gln; replaces arginine 1949 with glutamine.
Molecular consequence: missense variant.
Genome position (GRCh38, 1-based): chr7:21,687,449, G>A. VCF-style: chr7-21687449-G-A. GRCh37 (hg19) VCF-style: chr7-21727067-G-A.
Other names: NM_001277115.2(DNAH11):c.5846G>A; p.Arg1949Gln; short protein forms R1949Q.
Identifiers: ClinVar variation 641535 (VCV000641535.12), dbSNP rs761919869, ClinGen allele CA155116706.